The following is an entry in ClinVar:

ClinVar aggregate classification (germline): Uncertain significance (1 of 4 stars; one submission).

Submission:

Labcorp Genetics (formerly Invitae), Labcorp
Classification: Uncertain significance. Last evaluated: 2024-05-21. Review status: criteria provided, single submitter. Criteria: Invitae Variant Classification Sherloc (09022015). Collection method: clinical testing. Allele origin: germline.
Comment: This sequence change replaces arginine, which is basic and polar, with glycine, which is neutral and non-polar, at codon 156 of the TBX6 protein (p.Arg156Gly). This variant is present in population databases (no rsID available, gnomAD 0.007%). This variant has not been reported in the literature in individuals affected with TBX6-related conditions. Advanced modeling of protein sequence and biophysical properties (such as structural, functional, and spatial information, amino acid conservation, physicochemical variation, residue mobility, and thermodynamic stability) performed at Invitae indicates that this missense variant is not expected to disrupt TBX6 protein function with a negative predictive value of 80%. In summary, the available evidence is currently insufficient to determine the role of this variant in disease. Therefore, it has been classified as a Variant of Uncertain Significance.

NM_004608.4(TBX6):c.466C>G (p.Arg156Gly)

Gene: TBX6 (T-box transcription factor 6; minus strand). Cytogenetic location: 16p11.2.
Variant type: single nucleotide variant.
Coding change: c.466C>G on transcript NM_004608.4 (MANE Select); coding-DNA position 466, C replaced by G.
Protein change: p.Arg156Gly; replaces arginine 156 with glycine.
Molecular consequence: missense variant.
Genome position (GRCh38, 1-based): chr16:30,089,098, G>C on the plus strand (C>G on the coding strand, the complement: TBX6 is on the minus strand). VCF-style: chr16-30089098-G-C. GRCh37 (hg19) VCF-style: chr16-30100419-G-C.
Other names: short protein forms R156G.
Identifiers: ClinVar variation 2978125 (VCV002978125.3), dbSNP rs765466135, ClinGen allele CA395520104.